The following is an entry in ClinVar:

NM_012090.5(MACF1):c.39_56dup (p.Ser25_Tyr26insCysArgSerGluArgSer)

Gene: MACF1 (microtubule actin crosslinking factor 1; plus strand). Cytogenetic location: 1p34.3.
Variant type: Duplication.
Coding change: c.39_56dup on transcript NM_012090.5; coding-DNA positions 39 to 56, 18 bases duplicated (ATGTCGGAGTGAGCGGTC).
Protein change: p.Ser25_Tyr26insCysArgSerGluArgSer.
Molecular consequence: inframe insertion.
Genome position (GRCh38, 1-based): chr1:39,084,257-39,084,274, ATGTCGGAGTGAGCGGTC duplicated; duplicating any 18 consecutive bases within chr1:39,084,246-39,084,274 gives the same sequence; the c. name uses the placement nearest the transcript's 3' end. VCF-style (leftmost placement, unchanged base first): chr1-39084245-C-CAGTGAGCGGTCATGTCGG. GRCh37 (hg19) VCF-style: chr1-39549917-C-CAGTGAGCGGTCATGTCGG.
Other names: c.39_56dup18 (NM_012090.5).
Identifiers: ClinVar variation 2848268 (VCV002848268.7), dbSNP rs545520541, ClinGen allele CA778987.

ClinVar aggregate classification (germline): Likely benign. Review status: criteria provided, multiple submitters, no conflicts (2 of 4 stars). 4 submissions from 4 submitters: Likely benign (3). 1 of the submissions does not count toward it. Last evaluated 2025-03-03.

Conditions:
Inborn genetic diseases. Identifiers: MedGen C0950123, MeSH D030342.
MACF1-related disorder. Also called: MACF1-related condition.

Submissions (4):

Labcorp Genetics (formerly Invitae), Labcorp
Classification: Likely benign. Last evaluated: 2025-03-03. Review status: criteria provided, single submitter. Criteria: Invitae Variant Classification Sherloc (09022015). Collection method: clinical testing. Allele origin: germline.

Blueprint Genetics
Classification: Likely benign. Last evaluated: 2024-10-09. Review status: criteria provided, single submitter. Criteria: ACMG Guidelines, 2015. Collection method: clinical testing. Allele origin: germline.

Ambry Genetics
Classification: Likely benign for Inborn genetic diseases. Last evaluated: 2021-09-24. Review status: criteria provided, single submitter. Criteria: Ambry Variant Classification Scheme 2023. Collection method: clinical testing. Allele origin: germline.

PreventionGenetics, part of Exact Sciences
Classification: Likely benign for MACF1-related condition. Last evaluated: 2021-01-26. Review status: no assertion criteria provided. Collection method: clinical testing. Allele origin: germline. Not counted in ClinVar's aggregate classification.
Comment: This variant is classified as likely benign based on ACMG/AMP sequence variant interpretation guidelines (Richards et al. 2015 PMID: 25741868, with internal and published modifications).